The following is an entry in ClinVar:

ClinVar aggregate classification (germline): Benign. Review status: criteria provided, multiple submitters, no conflicts (2 of 4 stars). 11 submissions from 10 submitters: Benign (11). Last evaluated 2026-02-04.

Conditions:
Fibromuscular dysplasia, multifocal. Identifiers: MedGen C5543412, MONDO:0859151, OMIM 619329.
Ehlers-Danlos syndrome, classic type, 1 (EDSCL1). Also called: Ehlers-Danlos syndrome, type 1; Ehlers-Danlos Syndrome, Classic Type, COL5A1-Related; EDS I; EHLERS-DANLOS SYNDROME, GRAVIS TYPE; EHLERS-DANLOS SYNDROME, SEVERE CLASSIC TYPE. Identifiers: MedGen C0268335, MONDO:0019567, OMIM 130000.
Familial thoracic aortic aneurysm and aortic dissection (TAAD). Also called: Thoracic aortic aneurysms and dissections. Identifiers: Orphanet 91387, MedGen C4707243, MONDO:0019625.

Allele frequency attached by ClinVar (database versions not stated): gnomAD 0.07962 and 0.08110; ESP Exome Variant Server 0.08158; TOPMed 0.08589; 1000 Genomes Project 0.10184; 1000 Genomes Project 30x 0.10603.
gnomAD v4.1: 45,038 of 1,614,132 alleles (2.8%); highest among the groups gnomAD compares: African/African-American, 24%; 2,976 homozygotes.

Submissions (11):

Labcorp Genetics (formerly Invitae), Labcorp
Classification: Benign for Ehlers-Danlos syndrome, classic type, 1. Last evaluated: 2026-02-04. Review status: criteria provided, single submitter. Criteria: Invitae Variant Classification Sherloc (09022015). Collection method: clinical testing. Allele origin: germline.

Molecular Diagnostic Laboratory for Inherited Cardiovascular Disease, Montreal Heart Institute
Classification: Benign. Last evaluated: 2025-04-09. Review status: criteria provided, single submitter. Criteria: ACMG Guidelines, 2015. Collection method: clinical testing. Allele origin: germline. Affected: no.
Comment: BA1

Blueprint Genetics
Classification: Benign. Last evaluated: 2024-11-27. Review status: criteria provided, single submitter. Criteria: ACMG Guidelines, 2015. Collection method: clinical testing. Allele origin: germline.

Genome-Nilou Lab
Classification: Benign for Ehlers-Danlos syndrome, classic type, 1. Last evaluated: 2022-03-15. Review status: criteria provided, single submitter. Criteria: ACMG Guidelines, 2015. Collection method: clinical testing. Allele origin: germline. Affected: no.

Genome-Nilou Lab
Classification: Benign for Fibromuscular dysplasia, multifocal. Last evaluated: 2022-03-15. Review status: criteria provided, single submitter. Criteria: ACMG Guidelines, 2015. Collection method: clinical testing. Allele origin: germline. Affected: no.

Mayo Clinic Laboratories, Mayo Clinic
Classification: Benign. Last evaluated: 2017-11-17. Review status: criteria provided, single submitter. Criteria: ACMG Guidelines, 2015. Collection method: clinical testing. Allele origin: germline. Observed: 233 variant alleles.

Women's Health and Genetics/Laboratory Corporation of America, LabCorp
Classification: Benign. Last evaluated: 2017-03-15. Review status: criteria provided, single submitter. Criteria: LabCorp Variant Classification Summary - May 2015. Collection method: clinical testing. Allele origin: germline.
Comment: Variant summary: The COL5A1 c.1092C>T (p.Pro364Pro) variant involves the alteration of a non-conserved nucleotide, resulting in a synonymous change. One in silico tool predicts a polymorphism outcome for this variant. 5/5 splice prediction tools predict no significant impact on normal splicing. However, these predictions have yet to be confirmed by functional studies. This variant was found in 5362/121014 control chromosomes (451 homozygotes) at a frequency of 0.0443089, which is approximately 35447 times the estimated maximal expected allele frequency of a pathogenic COL5A1 variant (0.0000013), suggesting this variant is likely a benign polymorphism. In addition, multiple clinical diagnostic laboratories/reputable databases classified this variant as benign. Taken together, this variant is classified as benign.

Ambry Genetics
Classification: Benign for Familial thoracic aortic aneurysm and aortic dissection. Last evaluated: 2015-03-02. Review status: criteria provided, single submitter. Criteria: Ambry Variant Classification Scheme 2023. Collection method: clinical testing. Allele origin: germline.

GeneDx
Classification: Benign. Last evaluated: 2012-11-16. Review status: criteria provided, single submitter. Criteria: GeneDx Variant Classification (06012015). Collection method: clinical testing. Allele origin: germline. Affected: yes.
Comment: This variant is considered likely benign or benign based on one or more of the following criteria: it is a conservative change, it occurs at a poorly conserved position in the protein, it is predicted to be benign by multiple in silico algorithms, and/or has population frequency not consistent with disease.

Breakthrough Genomics
Classification: Benign. Review status: criteria provided, single submitter. Criteria: ACMG Guidelines, 2015. Collection method: not provided. Allele origin: germline. Inheritance: Autosomal dominant inheritance. Affected: yes.

PreventionGenetics, part of Exact Sciences
Classification: Benign. Review status: criteria provided, single submitter. Criteria: ACMG Guidelines, 2015. Collection method: clinical testing. Allele origin: germline.

Literature cited by the submitters: PubMed 24951259 (cited by Women's Health and Genetics/Laboratory Corporation of America, LabCorp).

NM_000093.5(COL5A1):c.1092C>T (p.Pro364=)

Gene: COL5A1 (collagen type V alpha 1 chain; plus strand). Cytogenetic location: 9q34.3.
Variant type: single nucleotide variant.
Coding change: c.1092C>T on transcript NM_000093.5 (MANE Select); coding-DNA position 1092, C replaced by T.
Protein change: p.Pro364=; no amino-acid change (proline 364 retained).
Molecular consequence: synonymous variant.
Genome position (GRCh38, 1-based): chr9:134,730,403, C>T. VCF-style: chr9-134730403-C-T. GRCh37 (hg19) VCF-style: chr9-137622249-C-T.
Other names: p.P364P:CCC>CCT; p.Pro364=; c.1092C>T, p.Pro364= (NM_001278074.1).
Identifiers: ClinVar variation 136927 (VCV000136927.25), dbSNP rs41306391, ClinGen allele CA290349.